The following is an entry in ClinVar:

ClinVar aggregate classification (germline): Likely benign. Review status: criteria provided, single submitter (1 of 4 stars). 2 submissions from 2 submitters: Likely benign (1). 1 of the submissions does not count toward it. Last evaluated 2024-01-23.

Conditions:
HERC2-related disorder. Also called: HERC2-related condition.

Allele frequency attached by ClinVar (database versions not stated): gnomAD exomes 0.00004; ExAC 0.00012; TOPMed 0.00032; gnomAD 0.00036; ESP Exome Variant Server 0.00038; 1000 Genomes Project 0.00060; 1000 Genomes Project 30x 0.00062.
gnomAD v4.1: 118 of 1,614,014 alleles (0.0073%); highest among the groups gnomAD compares: African/African-American, 0.12%; 1 homozygote.

Submissions (2):

Blueprint Genetics
Classification: Likely benign. Last evaluated: 2024-01-23. Review status: criteria provided, single submitter. Criteria: ACMG Guidelines, 2015. Collection method: clinical testing. Allele origin: germline.

PreventionGenetics, part of Exact Sciences
Classification: Likely benign for HERC2-related condition. Last evaluated: 2019-04-01. Review status: no assertion criteria provided. Collection method: clinical testing. Allele origin: germline. Not counted in ClinVar's aggregate classification.
Comment: This variant is classified as likely benign based on ACMG/AMP sequence variant interpretation guidelines (Richards et al. 2015 PMID: 25741868, with internal and published modifications).

NM_004667.6(HERC2):c.11790C>T (p.Asp3930=)

Gene: HERC2 (HECT and RLD domain containing E3 ubiquitin protein ligase 2; minus strand). Cytogenetic location: 15q13.1.
Variant type: single nucleotide variant.
Coding change: c.11790C>T on transcript NM_004667.6 (MANE Select); coding-DNA position 11790, C replaced by T.
Protein change: p.Asp3930=; no amino-acid change (aspartic acid 3930 retained).
Molecular consequence: synonymous variant.
Genome position (GRCh38, 1-based): chr15:28,141,757, G>A on the plus strand (C>T on the coding strand, the complement: HERC2 is on the minus strand). VCF-style: chr15-28141757-G-A. GRCh37 (hg19) VCF-style: chr15-28386903-G-A.
Identifiers: ClinVar variation 3051496 (VCV003051496.3), dbSNP rs145571215, ClinGen allele CA7440468.
Genomic context (GRCh38, chr15:28,141,757, plus strand): 5'-GATCGACATTACTGCTTGTTTCTAATATAATAACCTGTTCATCCACTGCACAAGTTGTTC[G>A]TCTTGCTCTCTTTTAAAAATGTCATGGCTCTCATGCAGAACATCCATGTTTTCGCTGTCT-3'
Protein context (NP_004658.3, residues 3920-3940): ESHDIFKREQ[Asp3930=]EQLVQWMNRR